The following is an entry in ClinVar:

NM_152296.5(ATP1A3):c.2419-6G>A

Gene: ATP1A3 (ATPase Na+/K+ transporting subunit alpha 3; minus strand). Cytogenetic location: 19q13.2.
Variant type: single nucleotide variant.
Coding change: c.2419-6G>A on transcript NM_152296.5 (MANE Select); 6 bases into the intron before coding-DNA position 2419, G replaced by A.
Molecular consequence: intron variant.
Genome position (GRCh38, 1-based): chr19:41,970,314, C>T on the plus strand (G>A on the coding strand, the complement: ATP1A3 is on the minus strand). VCF-style: chr19-41970314-C-T. GRCh37 (hg19) VCF-style: chr19-42474466-C-T.
Other names: c.2458-6G>A (NM_001256214.2, NM_001256214.1); c.2452-6G>A (NM_001256213.2).
Identifiers: ClinVar variation 623953 (VCV000623953.58), dbSNP rs180749411, ClinGen allele CA9467385.

ClinVar aggregate classification (germline): Benign/Likely benign. Review status: criteria provided, multiple submitters, no conflicts (2 of 4 stars). 6 submissions from 6 submitters: Benign (2); Likely benign (4). Last evaluated 2026-01-26.

Conditions:
ATP1A3-related disorder. Also called: ATP1A3-related disorders; ATP1A3-related condition. Identifiers: MedGen CN381097.
Dystonia 12 (DYT12). Also called: DYT-ATP1A3; Rapid-Onset Dystonia-Parkinsonism (RDP). Identifiers: Orphanet 71517, MedGen C1868681, MONDO:0007496, OMIM 128235.

Allele frequency attached by ClinVar (database versions not stated): gnomAD 0.00003 and 0.00004; TOPMed 0.00005; gnomAD exomes 0.00013; ESP Exome Variant Server 0.00015; ExAC 0.00018; 1000 Genomes Project 0.00040; 1000 Genomes Project 30x 0.00047.
gnomAD v4.1: 72 of 1,614,134 alleles (0.0045%); highest among the groups gnomAD compares: Admixed American, 0.047%; no homozygotes.

Submissions (6):

Labcorp Genetics (formerly Invitae), Labcorp
Classification: Benign for Dystonia 12. Last evaluated: 2026-01-26. Review status: criteria provided, single submitter. Criteria: Invitae Variant Classification Sherloc (09022015). Collection method: clinical testing. Allele origin: germline.

CeGaT Center for Human Genetics Tuebingen
Classification: Likely benign. Last evaluated: 2025-09-01. Review status: criteria provided, single submitter. Criteria: CeGaT Center For Human Genetics Tuebingen Variant Classification Criteria Version 2. Collection method: clinical testing. Allele origin: germline. Affected: yes. Observed: 3 variant alleles.
Comment: ATP1A3: BP4

PreventionGenetics, part of Exact Sciences
Classification: Likely benign for ATP1A3-related condition. Last evaluated: 2024-12-05. Review status: criteria provided, single submitter. Criteria: ACMG Guidelines, 2015. Collection method: clinical testing. Allele origin: germline.
Comment: This variant is classified as likely benign based on ACMG/AMP sequence variant interpretation guidelines (Richards et al. 2015 PMID: 25741868, with internal and published modifications).

Athena Diagnostics
Classification: Benign. Last evaluated: 2024-10-07. Review status: criteria provided, single submitter. Criteria: Athena Diagnostics Criteria. Collection method: clinical testing. Allele origin: unknown.

Blueprint Genetics
Classification: Likely benign. Last evaluated: 2024-08-07. Review status: criteria provided, single submitter. Criteria: ACMG Guidelines, 2015. Collection method: clinical testing. Allele origin: germline.

GeneDx
Classification: Likely benign. Last evaluated: 2020-09-23. Review status: criteria provided, single submitter. Criteria: GeneDx Variant Classification Process June 2021. Collection method: clinical testing. Allele origin: germline. Affected: yes.